The following is an entry in ClinVar:

NM_174936.4(PCSK9):c.1591C>T (p.Gln531Ter)

Gene: PCSK9 (proprotein convertase subtilisin/kexin type 9; plus strand). Cytogenetic location: 1p32.3.
Variant type: single nucleotide variant.
Coding change: c.1591C>T on transcript NM_174936.4 (MANE Select); coding-DNA position 1591, C replaced by T.
Protein change: p.Gln531Ter; replaces glutamine 531 with a stop codon.
Molecular consequence: nonsense.
Genome position (GRCh38, 1-based): chr1:55,059,573, C>T. VCF-style: chr1-55059573-C-T. GRCh37 (hg19) VCF-style: chr1-55525246-C-T.
Other names: c.1714C>T, p.Gln572Ter (NM_001407240.1); c.1633C>T, p.Gln545Ter (NM_001407241.1); c.1594C>T, p.Gln532Ter (NM_001407242.1); c.1534C>T, p.Gln512Ter (NM_001407243.1); c.1417C>T, p.Gln473Ter (NM_001407244.1); c.1399C>T, p.Gln467Ter (NM_001407245.1); c.1216C>T, p.Gln406Ter (NM_001407246.1); short protein forms Q531*, Q467*, Q473*, Q572*, Q406*, Q512*, Q532*, Q545*.
Identifiers: ClinVar variation 1035538 (VCV001035538.11), dbSNP rs1644743243, ClinGen allele CA340479930.

ClinVar aggregate classification (germline): Conflicting classifications of pathogenicity. Review status: criteria provided, conflicting classifications (1 of 4 stars). 3 submissions from 3 submitters: Uncertain significance (2); Likely benign (1). Last evaluated 2022-01-03.

Conditions:
Hypercholesterolemia, autosomal dominant, 3 (FHCL3). Also called: PCSK9-Related Familial Hypercholesterolemia, Autosomal Dominant; Familial hypercholesterolemia 3; Familial Hypercholesterolemia, Autosomal Dominant, 3. Identifiers: MedGen C1863551, MONDO:0011369, OMIM 603776.
Familial hypercholesterolemia. Also called: Familial hypercholesterolaemia; Familial hypercholesterolemias. Identifiers: MedGen C0020445, MONDO:0005439.

Allele frequency attached by ClinVar (database versions not stated): gnomAD exomes below 0.00001.
gnomAD v4.1: 2 of 1,555,234 alleles (0.00013%); highest among the groups gnomAD compares: Non-Finnish European, 0.00017%; no homozygotes.

Submissions (3):

Color Diagnostics, LLC DBA Color Health
Classification: Likely benign for Familial hypercholesterolemia. Last evaluated: 2022-01-03. Review status: criteria provided, single submitter. Criteria: ACMG Guidelines, 2015. Collection method: clinical testing. Allele origin: germline.

Fulgent Genetics
Classification: Uncertain significance for Hypercholesterolemia, autosomal dominant, 3. Last evaluated: 2021-10-13. Review status: criteria provided, single submitter. Criteria: ACMG Guidelines, 2015. Collection method: clinical testing. Allele origin: unknown.

Labcorp Genetics (formerly Invitae), Labcorp
Classification: Uncertain significance for Hypercholesterolemia, autosomal dominant, 3. Last evaluated: 2020-08-14. Review status: criteria provided, single submitter. Criteria: Invitae Variant Classification Sherloc (09022015). Collection method: clinical testing. Allele origin: germline.
Comment: In summary, the available evidence is currently insufficient to determine the role of this variant in disease. Therefore, it has been classified as a Variant of Uncertain Significance. The current clinical and genetic evidence is not sufficient to establish whether loss-of-function variants in PCSK9 cause disease. This variant has not been reported in the literature in individuals with PCSK9-related conditions. This variant is not present in population databases (ExAC no frequency). This sequence change creates a premature translational stop signal (p.Gln531*) in the PCSK9 gene. It is expected to result in an absent or disrupted protein product.